The following is an entry in ClinVar:

NM_138694.4(PKHD1):c.10444C>T (p.Arg3482Cys)

Gene: PKHD1 (PKHD1 ciliary IPT domain containing fibrocystin/polyductin; minus strand). Cytogenetic location: 6p12.3.
Variant type: single nucleotide variant.
Coding change: c.10444C>T on transcript NM_138694.4 (MANE Select); coding-DNA position 10444, C replaced by T.
Protein change: p.Arg3482Cys; replaces arginine 3482 with cysteine.
Molecular consequence: missense variant.
Genome position (GRCh38, 1-based): chr6:51,659,682, G>A on the plus strand (C>T on the coding strand, the complement: PKHD1 is on the minus strand). VCF-style: chr6-51659682-G-A. GRCh37 (hg19) VCF-style: chr6-51524480-G-A.
Other names: short protein forms R3482C.
Identifiers: ClinVar variation 188896 (VCV000188896.39), dbSNP rs148617572, ClinGen allele CA274092.
Genomic context (GRCh38, chr6:51,659,682, plus strand): 5'-CATGGTAGAATACAGCCAAGAGAAGCTTGGAGGTACTTTTGTTCCCCAATAGAAAAAAGC[G>A]CAAAACTTGAGGAGTTTGATCCATGAAGCAGACTTTGGTGATTTGCCTGATGGGTAAGAT-3'
Protein context (NP_619639.3, residues 3472-3492): CFMDQTPQVL[Arg3482Cys]FFLLGNKSTS

ClinVar aggregate classification (germline): Pathogenic/Likely pathogenic. Review status: criteria provided, multiple submitters, no conflicts (2 of 4 stars). 16 submissions from 15 submitters: Pathogenic (11); Likely pathogenic (3). 2 of the submissions do not count toward it. Last evaluated 2026-05-12.

Conditions:
PKHD1-related disorder. Also called: PKHD1-related condition.
Polycystic kidney disease 4 (PKD4). Also called: POLYCYSTIC KIDNEY AND HEPATIC DISEASE 1; POLYCYSTIC KIDNEY DISEASE, INFANTILE, TYPE I; PKD3; Autosomal Recessive Polycystic Kidney Disease – PKHD1; POLYCYSTIC KIDNEY DISEASE 4 WITH OR WITHOUT POLYCYSTIC LIVER DISEASE. Identifiers: MedGen C4540575, MONDO:0033004, OMIM 263200.
Autosomal recessive polycystic kidney disease (ARPKD). Also called: AR polycystic kidney disease. Identifiers: Orphanet 731, Orphanet 8378, MedGen C0085548, MeSH D017044, MONDO:0009889.

Allele frequency attached by ClinVar (database versions not stated): gnomAD exomes 0.00005; ExAC 0.00006; gnomAD 0.00002 and 0.00003; TOPMed 0.00002; ESP Exome Variant Server 0.00008.
gnomAD v4.1: 38 of 1,613,826 alleles (0.0024%); highest among the groups gnomAD compares: Middle Eastern, 0.017%; no homozygotes.

Submissions (16):

Women's Health and Genetics/Laboratory Corporation of America, LabCorp
Classification: Pathogenic for Autosomal recessive polycystic kidney disease. Last evaluated: 2026-05-12. Review status: criteria provided, single submitter. Criteria: LabCorp Variant Classification Summary - May 2015. Collection method: clinical testing. Allele origin: germline.
Comment: Variant summary: PKHD1 c.10444C>T (p.Arg3482Cys) results in a non-conservative amino acid change in the encoded protein sequence. Algorithms developed to predict the effect of missense changes on protein structure and function are either unavailable or do not agree on the potential impact of this missense change. The variant allele was found at a frequency of 5.2e-05 in 250682 control chromosomes. This frequency is not significantly higher than estimated for disease-causing variants in PKHD1, allowing no conclusion about variant significance. c.10444C>T has been observed in the homozygous or compound heterozygous state in multiple individuals affected with clinical features of Caroli disease and/or Polycystic Kidney And Hepatic Disease (example, Courcet_2015, Bergmann_2005). These data indicate that the variant is very likely to be associated with disease. The following publications have been ascertained in the context of this evaluation (PMID: 26385851, 15698423). ClinVar contains an entry for this variant (Variation ID: 188896). Based on the evidence outlined above, the variant was classified as pathogenic.

Labcorp Genetics (formerly Invitae), Labcorp
Classification: Pathogenic for Autosomal recessive polycystic kidney disease. Last evaluated: 2025-12-24. Review status: criteria provided, single submitter. Criteria: Invitae Variant Classification Sherloc (09022015). Collection method: clinical testing. Allele origin: germline.
Comment: This sequence change replaces arginine, which is basic and polar, with cysteine, which is neutral and slightly polar, at codon 3482 of the PKHD1 protein (p.Arg3482Cys). This variant is present in population databases (rs148617572, gnomAD 0.02%). This missense change has been observed in individual(s) with autosomal recessive polycystic kidney disease and related conditions (PMID: 12506140, 15108281, 15805161, 26385851, 26721323). In at least one individual the data is consistent with being in trans (on the opposite chromosome) from a pathogenic variant. It has also been observed to segregate with disease in related individuals. ClinVar contains an entry for this variant (Variation ID: 188896). Invitae Evidence Modeling of protein sequence and biophysical properties (such as structural, functional, and spatial information, amino acid conservation, physicochemical variation, residue mobility, and thermodynamic stability) indicates that this missense variant is expected to disrupt PKHD1 protein function with a positive predictive value of 95%. For these reasons, this variant has been classified as Pathogenic.

Natera, Inc.
Classification: Pathogenic for Autosomal recessive polycystic kidney disease. Last evaluated: 2025-10-05. Review status: criteria provided, single submitter. Criteria: Natera Variant Classification Schema (03/2026). Collection method: clinical testing. Allele origin: germline.
Comment: The c.10444C>T variant in PKHD1 is a missense variant predicted to cause substitution of arginine to cysteine at amino acid 3482. This variant is rare in the general population with a frequency below the threshold expected for the associated phenotype(s). This variant has been observed in one or more individuals affected with the associated recessive disease, as either homozygous or compound heterozygous with a second variant (PMID: 26721323, 27225849, 15805161). Computational prediction algorithms indicate this variant is likely to affect gene or protein function. Given the available evidence, this variant is classified as Pathogenic.

Mayo Clinic Laboratories, Mayo Clinic
Classification: Pathogenic. Last evaluated: 2025-08-14. Review status: criteria provided, single submitter. Criteria: ACMG Guidelines, 2015. Collection method: clinical testing. Allele origin: germline. Observed: 1 variant allele.
Comment: PP1, PM2_supporting, PM3_very_strong

GeneDx
Classification: Pathogenic. Last evaluated: 2024-08-30. Review status: criteria provided, single submitter. Criteria: GeneDx Variant Classification Process June 2021. Collection method: clinical testing. Allele origin: germline. Affected: yes.
Comment: In silico analysis supports that this missense variant has a deleterious effect on protein structure/function; This variant is associated with the following publications: (PMID: 26721323, 12506140, 15108277, 15698423, 19914852, 26385851, 25114813, 15805161, 19940839, 34426522, 33940108, 15108281, 30275481, 37013475, 35812281, Corradi2022[abstract], 36964991)

Baylor Genetics
Classification: Pathogenic for Polycystic kidney disease 4. Last evaluated: 2024-03-09. Review status: criteria provided, single submitter. Criteria: ACMG Guidelines, 2015. Collection method: clinical testing. Allele origin: unknown.

Fulgent Genetics
Classification: Likely pathogenic for Polycystic kidney disease 4. Last evaluated: 2024-02-16. Review status: criteria provided, single submitter. Criteria: ACMG Guidelines, 2015. Collection method: clinical testing. Allele origin: germline.

Daryl Scott Lab, Baylor College of Medicine
Classification: Pathogenic for Polycystic kidney disease 4. Last evaluated: 2024-01-01. Review status: criteria provided, single submitter. Criteria: ACMG Guidelines, 2015. Collection method: clinical testing. Allele origin: unknown. Affected: yes. Observed: 1 heterozygote.
Comment: PS4, PM3, PP3

Laboratorio de Genetica e Diagnostico Molecular, Hospital Israelita Albert Einstein
Classification: Pathogenic for Polycystic kidney disease 4. Last evaluated: 2022-07-22. Review status: criteria provided, single submitter. Criteria: ACMG Guidelines, 2015. Collection method: clinical testing. Allele origin: germline. Affected: yes. Observed: 1 variant allele.
Comment: ACMG classification criteria: PS4 strong, PM2 moderated, PM3 moderated, PP1 supporting

Department of Pathology and Laboratory Medicine, Sinai Health System
Classification: Likely pathogenic for Polycystic kidney disease 4. Last evaluated: 2020-11-13. Review status: criteria provided, single submitter. Criteria: ACMG Guidelines, 2015. Collection method: clinical testing. Allele origin: germline. Affected: yes.

Eurofins Ntd Llc (ga)
Classification: Pathogenic. Last evaluated: 2016-08-05. Review status: criteria provided, single submitter. Criteria: EGL Classification Definitions 2015. Collection method: clinical testing. Allele origin: germline. Observed: 1 variant allele, 1 heterozygote.

Equipe Genetique des Anomalies du Developpement, Université de Bourgogne
Classification: Likely pathogenic for Polycystic kidney disease 4. Last evaluated: 2014-01-01. Review status: criteria provided, single submitter. Criteria: ACMG Guidelines, 2007. Collection method: clinical testing. Allele origin: germline. Affected: no.

Baylor Genetics
Classification: Pathogenic for Polycystic kidney disease 4. Review status: criteria provided, single submitter. Criteria: ACMG Guidelines, 2015. Collection method: clinical testing. Allele origin: germline.

Neuberg Centre For Genomic Medicine, NCGM
Classification: Pathogenic for Polycystic kidney disease 4. Review status: criteria provided, single submitter. Criteria: ACMG Guidelines, 2015. Collection method: clinical testing. Allele origin: germline. Inheritance: Autosomal recessive inheritance. Affected: yes.
Comment: The missense c.10444C>Tp.Arg3482Cys variant in PKHD1 gene has been reported previously in homozygous or compound heterozygous state in individuals affected with Autosomal recessive polycystic kidney disease ARPKD Quint A et al., 2016. This variant is reported with the allele frequency of 0.006% in the gnomAD Exomes and novel in 1000 Genomes. This variant has been reported to the ClinVar database as Likely Pathogenic / Pathogenic multiple submitters. The amino acid Arg at position 3482 is changed to a Cys changing protein sequence and it might alter its composition and physico-chemical properties. The amino acid change p.Arg3482Cys in PKHD1 is predicted as conserved by GERP++ and PhyloP across 100 vertebrates. Advanced modeling of protein sequence and biophysical properties such as structural, functional, and spatial information, amino acid conservation, physicochemical variation, residue mobility, and thermodynamic stability indicates that this missense variant is expected to disrupt PKHD1 protein function. The variant is predicted as damaging by SIFT. For these reasons, this variant has been classified as Pathogenic.

PreventionGenetics, part of Exact Sciences
Classification: Pathogenic for PKHD1-related condition. Last evaluated: 2023-11-17. Review status: no assertion criteria provided. Collection method: clinical testing. Allele origin: germline. Not counted in ClinVar's aggregate classification.
Comment: The PKHD1 c.10444C>T variant is predicted to result in the amino acid substitution p.Arg3482Cys. This variant has been repeatedly reported to be pathogenic for autosomal recessive polycystic kidney disease (ARPKD) (see for example, Bergmann et al. 2003. PubMed ID: 12506140; Thakur et al. 2014. PubMed ID: 25114813; Quint et al. 2015. PubMed ID: 26721323). This variant is reported in 0.023% of alleles in individuals of South Asian descent in gnomAD. This variant is interpreted as pathogenic.

Counsyl
Classification: Likely pathogenic for Polycystic kidney disease, infantile type. Last evaluated: 2014-07-23. Review status: no assertion criteria provided. Collection method: literature only. Allele origin: unknown. Inheritance: Autosomal recessive inheritance. Not counted in ClinVar's aggregate classification.

Literature cited by the submitters: PubMed 15698423 (cited by Women's Health and Genetics/Laboratory Corporation of America, LabCorp); PubMed 26385851 (cited by 3 submitters); PubMed 12506140 (cited by 5 submitters); PubMed 15108281 (cited by 4 submitters); PubMed 15805161 (cited by 6 submitters); PubMed 26721323 (cited by 4 submitters); PubMed 27225849 (cited by Natera, Inc.); PubMed 19940839 (cited by 3 submitters); PubMed 25114813 (cited by Mayo Clinic Laboratories, Mayo Clinic and Eurofins Ntd Llc (ga)); PubMed 31400123 (cited by Mayo Clinic Laboratories, Mayo Clinic); PubMed 33940108 (cited by Mayo Clinic Laboratories, Mayo Clinic); PubMed 35812281 (cited by Mayo Clinic Laboratories, Mayo Clinic); PubMed 38502226 (cited by Mayo Clinic Laboratories, Mayo Clinic); PubMed 39467534 (cited by Mayo Clinic Laboratories, Mayo Clinic).